The following is an entry in ClinVar:

ClinVar aggregate classification (germline): Uncertain significance (1 of 4 stars; one submission).

Conditions:
Ehlers-Danlos syndrome, classic type, 1 (EDSCL1). Also called: EHLERS-DANLOS SYNDROME, GRAVIS TYPE; EHLERS-DANLOS SYNDROME, SEVERE CLASSIC TYPE; Ehlers-Danlos syndrome, type 1; Ehlers-Danlos Syndrome, Classic Type, COL5A1-Related; EDS I. Identifiers: MedGen C0268335, MONDO:0019567, OMIM 130000.

Submission:

Labcorp Genetics (formerly Invitae), Labcorp
Classification: Uncertain significance for Ehlers-Danlos syndrome, classic type, 1. Last evaluated: 2025-09-23. Review status: criteria provided, single submitter. Criteria: Invitae Variant Classification Sherloc (09022015). Collection method: clinical testing. Allele origin: germline.
Comment: This sequence change falls in intron 13 of the COL5A2 gene. It does not directly change the encoded amino acid sequence of the COL5A2 protein. This variant is not present in population databases (gnomAD no frequency). This variant has not been reported in the literature in individuals affected with COL5A2-related conditions. Algorithms developed to predict the effect of sequence changes on RNA splicing suggest that this variant may disrupt the consensus splice site. In summary, the available evidence is currently insufficient to determine the role of this variant in disease. Therefore, it has been classified as a Variant of Uncertain Significance.

NM_000393.5(COL5A2):c.907-15C>G

Gene: COL5A2 (collagen type V alpha 2 chain; minus strand). Cytogenetic location: 2q32.2.
Variant type: single nucleotide variant.
Coding change: c.907-15C>G on transcript NM_000393.5 (MANE Select); 15 bases into the intron before coding-DNA position 907, C replaced by G.
Molecular consequence: intron variant.
Genome position (GRCh38, 1-based): chr2:189,080,046, G>C on the plus strand (C>G on the coding strand, the complement: COL5A2 is on the minus strand). VCF-style: chr2-189080046-G-C. GRCh37 (hg19) VCF-style: chr2-189944772-G-C.
Identifiers: ClinVar variation 4772818 (VCV004772818.1).
Genomic context (GRCh38, chr2:189,080,046, plus strand): 5'-CAGGTGCTCCAACTTCACCTTTAGGGCCTTCAAGACCTTTGTGTCCCTGAGAATAAAAAT[G>C]TAAATTTGTATTTGTATCCTGTTTTTTTCAATCCTCAAAGGCATAAGAACCAAAAATAAG-3'